The following is an entry in ClinVar:

ClinVar aggregate classification (germline): Benign (0 of 4 stars; one submission).

Conditions:
DCDC1-related disorder. Also called: DCDC1-related condition.

Submission:

PreventionGenetics, part of Exact Sciences
Classification: Benign for DCDC1-related condition. Last evaluated: 2019-11-25. Review status: no assertion criteria provided. Collection method: clinical testing. Allele origin: germline.
Comment: This variant is classified as benign based on ACMG/AMP sequence variant interpretation guidelines (Richards et al. 2015 PMID: 25741868, with internal and published modifications).

NM_001387274.1(DCDC1):c.1668del (p.Phe556fs)

Gene: DCDC1 (doublecortin domain containing 1; minus strand). Cytogenetic location: 11p13.
Variant type: Deletion.
Coding change: c.1668del on transcript NM_001387274.1 (MANE Select); coding-DNA position 1668, one base deleted (T; older notation c.1668delT).
Protein change: p.Phe556fs; shifts the reading frame from phenylalanine 556.
Molecular consequence: frameshift variant. On other transcripts: non-coding transcript variant (1).
Genome position (GRCh38, 1-based): chr11:31,106,880, A deleted on the plus strand (T on the coding strand, the reverse complement: DCDC1 is on the minus strand); the first of 5 consecutive A bases (chr11:31,106,880-31,106,884); deleting any one gives the same sequence. VCF-style (leftmost placement, unchanged base first): chr11-31106879-CA-C. GRCh37 (hg19) VCF-style: chr11-31128426-CA-C.
Other names: NM_001350255.1:c.525delT; c.1668del, p.Phe556fs (NM_001367979.1); short protein forms F556fs.
Identifiers: ClinVar variation 3042435 (VCV003042435.2), dbSNP rs556059169, ClinGen allele CA5932338.